The following is an entry in ClinVar:

ClinVar aggregate classification (germline): Conflicting classifications of pathogenicity. Review status: criteria provided, conflicting classifications (1 of 4 stars). 6 submissions from 6 submitters: Uncertain significance (5); Likely benign (1). Last evaluated 2024-11-09.

Conditions:
Hereditary cancer-predisposing syndrome. Also called: Hereditary neoplastic syndrome; Hereditary Cancer Syndrome; Tumor predisposition; Neoplastic Syndromes, Hereditary. Identifiers: Orphanet 140162, MedGen C0027672, MeSH D009386, MONDO:0015356.
BRCA2-related disorder. Also called: BRCA2-related condition; BRCA2-related disorders. Identifiers: MedGen CN239275.
Hereditary breast ovarian cancer syndrome. Also called: Breast and ovarian cancer; Hereditary breast and ovarian cancer; BRCA1- and BRCA2-Associated Hereditary Breast and Ovarian Cancer; Hereditary breast and/or ovarian cancer syndrome; Hereditary breast and ovarian cancer syndrome; Hereditary breast and ovarian cancer syndrome (HBOC). Identifiers: Orphanet 145, MedGen C0677776, MeSH D061325, MONDO:0003582. Disease mechanism: loss of function.

Allele frequency attached by ClinVar (database versions not stated): gnomAD exomes below 0.00001.
gnomAD v4.1: 1 of 1,613,794 alleles (0.000062%); no homozygotes.

Submissions (6):

Ambry Genetics
Classification: Uncertain significance for Hereditary cancer-predisposing syndrome. Last evaluated: 2024-11-09. Review status: criteria provided, single submitter. Criteria: Ambry Variant Classification Scheme 2023. Collection method: clinical testing. Allele origin: germline.
Comment: The p.G931R variant (also known as c.2791G>A), located in coding exon 10 of the BRCA2 gene, results from a G to A substitution at nucleotide position 2791. The glycine at codon 931 is replaced by arginine, an amino acid with dissimilar properties. This amino acid position is poorly conserved in available vertebrate species. In addition, this alteration is predicted to be tolerated by in silico analysis. Since supporting evidence is limited at this time, the clinical significance of this alteration remains unclear.

Women's Health and Genetics/Laboratory Corporation of America, LabCorp
Classification: Uncertain significance. Last evaluated: 2024-06-13. Review status: criteria provided, single submitter. Criteria: LabCorp Variant Classification Summary - May 2015. Collection method: clinical testing. Allele origin: germline.

PreventionGenetics, part of Exact Sciences
Classification: Uncertain significance for BRCA2-related condition. Last evaluated: 2023-08-31. Review status: criteria provided, single submitter. Criteria: ACMG Guidelines, 2015. Collection method: clinical testing. Allele origin: germline.
Comment: The BRCA2 c.2791G>A variant is predicted to result in the amino acid substitution p.Gly931Arg. To our knowledge, this variant has not been reported in the literature or in a large population database, indicating this variant is rare. In ClinVar, this variant is interpreted as likely benign (1) and uncertain significance (3). At this time, the clinical significance of this variant is uncertain due to the absence of conclusive functional and genetic evidence.

University of Washington Department of Laboratory Medicine, University of Washington
Classification: Likely benign for Hereditary cancer-predisposing syndrome. Last evaluated: 2023-03-23. Review status: criteria provided, single submitter. Criteria: Dines et al. (Genet Med. 2020). Collection method: curation. Allele origin: germline.
Comment: Missense variant in a coldspot region where missense variants are very unlikely to be pathogenic (PMID:31911673).

BRCA2 exon 11 coldspot. Reclassification based on statistical prior probability.

Labcorp Genetics (formerly Invitae), Labcorp
Classification: Uncertain significance for Hereditary breast ovarian cancer syndrome. Last evaluated: 2022-01-06. Review status: criteria provided, single submitter. Criteria: Invitae Variant Classification Sherloc (09022015). Collection method: clinical testing. Allele origin: germline.
Comment: This sequence change replaces glycine, which is neutral and non-polar, with arginine, which is basic and polar, at codon 931 of the BRCA2 protein (p.Gly931Arg). This variant is not present in population databases (gnomAD no frequency). This variant has not been reported in the literature in individuals affected with BRCA2-related conditions. ClinVar contains an entry for this variant (Variation ID: 438962). Advanced modeling of protein sequence and biophysical properties (such as structural, functional, and spatial information, amino acid conservation, physicochemical variation, residue mobility, and thermodynamic stability) performed at Invitae indicates that this missense variant is not expected to disrupt BRCA2 protein function. RNA analysis performed to evaluate the impact of this missense change on mRNA splicing indicates it does not significantly alter splicing (Invitae). In summary, the available evidence is currently insufficient to determine the role of this variant in disease. Therefore, it has been classified as a Variant of Uncertain Significance.

Quest Diagnostics Nichols Institute San Juan Capistrano
Classification: Uncertain significance. Last evaluated: 2016-08-25. Review status: criteria provided, single submitter. Criteria: Quest Diagnostics criteria. Collection method: clinical testing. Allele origin: germline.

NM_000059.4(BRCA2):c.2791G>A (p.Gly931Arg)

Gene: BRCA2 (BRCA2 DNA repair associated; plus strand). Cytogenetic location: 13q13.1.
Variant type: single nucleotide variant.
Coding change: c.2791G>A on transcript NM_000059.4 (MANE Select); coding-DNA position 2791, G replaced by A.
Protein change: p.Gly931Arg; replaces glycine 931 with arginine.
Molecular consequence: missense variant.
Genome position (GRCh38, 1-based): chr13:32,337,146, G>A. VCF-style: chr13-32337146-G-A. GRCh37 (hg19) VCF-style: chr13-32911283-G-A.
Other names: short protein forms G931R.
Identifiers: ClinVar variation 438962 (VCV000438962.18), dbSNP rs1555282848, ClinGen allele CA387773728.